The following is an entry in ClinVar:

ClinVar aggregate classification (germline): Likely pathogenic (1 of 4 stars; one submission).

Submission:

Athena Diagnostics
Classification: Likely pathogenic. Last evaluated: 2021-05-11. Review status: criteria provided, single submitter. Criteria: Athena Diagnostics criteria. Collection method: clinical testing. Allele origin: unknown.
Comment: This variant is likely to be inserted in tandem within the DMD gene and would maintain the transcript's reading frame, but is expected to disrupt protein function. A similar duplication of exons 3-15 has been identified in at least one male with a dystrophinopathy. Similar variants have not been reported in large, multi-ethnic general populations.

Literature cited by the submitters: PubMed 18663755; PubMed 31081998; PubMed 32194622; PubMed 17726484.

Single allele

Gene: DMD (dystrophin; minus strand). Cytogenetic location: Xp21.1.
Variant type: Duplication.
Identifiers: ClinVar variation 1256418 (VCV001256418.1).